The following is an entry in ClinVar:

ClinVar aggregate classification (germline): Uncertain significance. Review status: criteria provided, multiple submitters, no conflicts (2 of 4 stars). 2 submissions from 2 submitters: Uncertain significance (2). Last evaluated 2024-01-03.

Conditions:
Inborn genetic diseases. Identifiers: MedGen C0950123, MeSH D030342.

Allele frequency attached by ClinVar (database versions not stated): gnomAD exomes below 0.00001.
gnomAD v4.1: 2 of 1,614,056 alleles (0.00012%); highest among the groups gnomAD compares: Non-Finnish European, 0.00017%; no homozygotes.

Submissions (2):

Ambry Genetics
Classification: Uncertain significance for Inborn genetic diseases. Last evaluated: 2024-01-03. Review status: criteria provided, single submitter. Criteria: Ambry Variant Classification Scheme 2023. Collection method: clinical testing. Allele origin: germline.

Labcorp Genetics (formerly Invitae), Labcorp
Classification: Uncertain significance. Last evaluated: 2022-12-03. Review status: criteria provided, single submitter. Criteria: Invitae Variant Classification Sherloc (09022015). Collection method: clinical testing. Allele origin: germline.
Comment: This variant is present in population databases (no rsID available, gnomAD 0.0009%). This sequence change replaces valine, which is neutral and non-polar, with phenylalanine, which is neutral and non-polar, at codon 182 of the SLC26A3 protein (p.Val182Phe). This variant has not been reported in the literature in individuals affected with SLC26A3-related conditions. In summary, the available evidence is currently insufficient to determine the role of this variant in disease. Therefore, it has been classified as a Variant of Uncertain Significance. Advanced modeling of protein sequence and biophysical properties (such as structural, functional, and spatial information, amino acid conservation, physicochemical variation, residue mobility, and thermodynamic stability) performed at Invitae indicates that this missense variant is not expected to disrupt SLC26A3 protein function.

NM_000111.3(SLC26A3):c.544G>T (p.Val182Phe)

Gene: SLC26A3 (solute carrier family 26 member 3; minus strand). Cytogenetic location: 7q22.3.
Variant type: single nucleotide variant.
Coding change: c.544G>T on transcript NM_000111.3 (MANE Select); coding-DNA position 544, G replaced by T.
Protein change: p.Val182Phe; replaces valine 182 with phenylalanine.
Molecular consequence: missense variant.
Genome position (GRCh38, 1-based): chr7:107,791,074, C>A on the plus strand (G>T on the coding strand, the complement: SLC26A3 is on the minus strand). VCF-style: chr7-107791074-C-A. GRCh37 (hg19) VCF-style: chr7-107431519-C-A.
Other names: short protein forms V182F.
Identifiers: ClinVar variation 2818252 (VCV002818252.4), dbSNP rs1387184401, ClinGen allele CA368853478.